The following is an entry in ClinVar:

NM_001379110.1(SLC9A6):c.1684dup (p.His562fs)

Gene: SLC9A6 (solute carrier family 9 member A6; plus strand). Cytogenetic location: Xq26.3.
Variant type: Duplication.
Coding change: c.1684dup on transcript NM_001379110.1 (MANE Select); coding-DNA position 1684, one base duplicated (C; older notation c.1684dupC).
Protein change: p.His562fs; shifts the reading frame from histidine 562.
Molecular consequence: frameshift variant.
Genome position (GRCh38, 1-based): chrX:136,040,098, C duplicated; the last of 3 consecutive C bases (chrX:136,040,096-136,040,098); duplicating any one gives the same sequence. VCF-style (leftmost placement, unchanged base first): chrX-136040095-A-AC. GRCh37 (hg19) VCF-style: chrX-135122254-A-AC.
Other names: c.1750dup, p.His584fs (NM_001042537.2); c.1594dup, p.His532fs (NM_001177651.2, NM_001400909.1, NM_001400910.1 and 2 more transcripts); c.1498dup, p.His500fs (NM_001330652.2, NM_001400913.1); c.1654dup, p.His552fs (NM_006359.3); short protein forms H500fs, H552fs, H562fs, H532fs, H584fs.
Identifiers: ClinVar variation 2846648 (VCV002846648.3), dbSNP rs2521459845, ClinGen allele CA2739273782.

ClinVar aggregate classification (germline): Pathogenic (1 of 4 stars; one submission).

Conditions:
Christianson syndrome (MRXSCH). Also called: X-linked mental retardation, syndromic, Christianson type; INTELLECTUAL DEVELOPMENTAL DISORDER, X-LINKED, SYNDROMIC, CHRISTIANSON TYPE; SLC9A6-Related Syndromic Mental Retardation. Identifiers: Orphanet 85278, MedGen C2678194, MONDO:0010278, OMIM 300243.

Submission:

Labcorp Genetics (formerly Invitae), Labcorp
Classification: Pathogenic for Christianson syndrome. Last evaluated: 2023-04-24. Review status: criteria provided, single submitter. Criteria: Invitae Variant Classification Sherloc (09022015). Collection method: clinical testing. Allele origin: germline.
Comment: For these reasons, this variant has been classified as Pathogenic. This variant disrupts a region of the SLC9A6 protein in which other variant(s) (p.E559K) have been observed in individuals with SLC9A6-related conditions (PMID: 29275387). This suggests that this is a clinically significant region of the protein, and that variants that disrupt it are likely to be disease-causing. This premature translational stop signal has been observed in individual(s) with clinical features of SLC9A6-related disorders (Invitae). In at least one individual the variant was observed to be de novo. This variant is not present in population databases (gnomAD no frequency). This sequence change creates a premature translational stop signal (p.His552Profs*36) in the SLC9A6 gene. While this is not anticipated to result in nonsense mediated decay, it is expected to disrupt the last 118 amino acid(s) of the SLC9A6 protein.

Literature cited by the submitters: PubMed 29275387.